The following is an entry in ClinVar:

NM_017654.4(SAMD9):c.3859A>C (p.Asn1287His)

Gene: SAMD9 (sterile alpha motif domain containing 9; minus strand). Cytogenetic location: 7q21.2.
Variant type: single nucleotide variant.
Coding change: c.3859A>C on transcript NM_017654.4 (MANE Select); coding-DNA position 3859, A replaced by C.
Protein change: p.Asn1287His; replaces asparagine 1287 with histidine.
Molecular consequence: missense variant.
Genome position (GRCh38, 1-based): chr7:93,102,239, T>G on the plus strand (A>C on the coding strand, the complement: SAMD9 is on the minus strand). VCF-style: chr7-93102239-T-G. GRCh37 (hg19) VCF-style: chr7-92731552-T-G.
Other names: c.3859A>C, p.Asn1287His (NM_001193307.2); short protein forms N1287H.
Identifiers: ClinVar variation 3791942 (VCV003791942.1).

ClinVar aggregate classification (germline): Uncertain significance (1 of 4 stars; one submission).

Conditions:
Inborn genetic diseases. Identifiers: MedGen C0950123, MeSH D030342.

gnomAD v4.1: 1 of 1,613,748 alleles (0.000062%); highest among the groups gnomAD compares: Non-Finnish European, 0.000085%; no homozygotes.

Submission:

Ambry Genetics
Classification: Uncertain significance for Inborn genetic diseases. Last evaluated: 2024-12-21. Review status: criteria provided, single submitter. Criteria: Ambry Variant Classification Scheme 2023. Collection method: clinical testing. Allele origin: germline.
Comment: The p.N1287H variant (also known as c.3859A>C), located in coding exon 1 of the SAMD9 gene, results from an A to C substitution at nucleotide position 3859. The asparagine at codon 1287 is replaced by histidine, an amino acid with similar properties. This amino acid position is conserved. In addition, this alteration is predicted to be tolerated by in silico analysis. Based on the available evidence, the clinical significance of this variant remains unclear.